The following is an entry in ClinVar:

NM_001710.6(CFB):c.1109A>C (p.Asp370Ala)

Gene: CFB (complement factor B; plus strand). Cytogenetic location: 6p21.33.
Variant type: single nucleotide variant.
Coding change: c.1109A>C on transcript NM_001710.6 (MANE Select); coding-DNA position 1109, A replaced by C.
Protein change: p.Asp370Ala; replaces aspartic acid 370 with alanine.
Molecular consequence: missense variant.
Genome position (GRCh38, 1-based): chr6:31,948,902, A>C. VCF-style: chr6-31948902-A-C. GRCh37 (hg19) VCF-style: chr6-31916679-A-C.
Other names: short protein forms D370A.
Identifiers: ClinVar variation 4976836 (VCV004976836.1).

ClinVar aggregate classification (germline): Uncertain significance (1 of 4 stars; one submission).

Conditions:
Atypical hemolytic-uremic syndrome. Identifiers: Orphanet 2134, MedGen C2931788, MONDO:0016244.

Submission:

Genomenon, Inc
Classification: Uncertain significance for Atypical hemolytic-uremic syndrome. Last evaluated: 2026-09-17. Review status: criteria provided, single submitter. Criteria: Genomenon Sequence Variant Interpretation Standards - Updated. Collection method: curation. Allele origin: germline. Affected: no.
Comment: CFB p.Asp370Ala (c.1109A>C) is a missense variant that changes the amino acid at codon 370 from Aspartic acid to Alanine. This variant has been reported in the published literature (PMID:32034108). This variant is located in a mutational hotspot and/or important functional domain. It is absent or not present at a significant frequency in gnomAD. In silico models predict that this variant is not damaging. In conclusion, we classify CFB p.Asp370Ala (c.1109A>C) as a variant of uncertain significance.

Literature cited by the submitters: PubMed 32034108.